The following is an entry in ClinVar:

NM_153240.5(NPHP3):c.3448C>G (p.Gln1150Glu)

Genes: NPHP3-ACAD11 (NPHP3-ACAD11 readthrough (NMD candidate); minus strand), NPHP3 (nephrocystin 3; minus strand). Cytogenetic location: 3q22.1.
Variant type: single nucleotide variant.
Coding change: c.3448C>G on transcript NM_153240.5 (MANE Select); coding-DNA position 3448, C replaced by G.
Protein change: p.Gln1150Glu; replaces glutamine 1150 with glutamic acid.
Molecular consequence: missense variant. On other transcripts: non-coding transcript variant (1).
Genome position (GRCh38, 1-based): chr3:132,684,676, G>C on the plus strand (C>G on the coding strand, the complement: NPHP3 is on the minus strand). VCF-style: chr3-132684676-G-C. GRCh37 (hg19) VCF-style: chr3-132403520-G-C.
Other names: short protein forms Q1150E.
Identifiers: ClinVar variation 2087798 (VCV002087798.4), dbSNP rs2530380476, ClinGen allele CA354578987.

ClinVar aggregate classification (germline): Uncertain significance. Review status: criteria provided, multiple submitters, no conflicts (2 of 4 stars). 2 submissions from 2 submitters: Uncertain significance (2). Last evaluated 2024-02-29.

Conditions:
Renal-hepatic-pancreatic dysplasia 1 (RHPD1). Identifiers: MedGen C3715199, MONDO:0008833, OMIM 208540.
Nephronophthisis 3 (NPHP3). Also called: Adolescent nephronophthisis. Identifiers: Orphanet 655, MedGen C1858392, MONDO:0011456, OMIM 604387.
NPHP3-related Meckel-like syndrome. Also called: Meckel syndrome type 7; GOLDSTON SYNDROME. Identifiers: Orphanet 3032, MedGen C2673885, MONDO:0009966, OMIM 267010.
Nephronophthisis. Also called: Juvenile Nephronophthisis. Identifiers: Orphanet 655, MedGen C0687120, MONDO:0019005, HP:0000090.

Submissions (2):

Fulgent Genetics
Classification: Uncertain significance for Renal-hepatic-pancreatic dysplasia 1; NPHP3-related Meckel-like syndrome; Nephronophthisis 3. Last evaluated: 2024-02-29. Review status: criteria provided, single submitter. Criteria: ACMG Guidelines, 2015. Collection method: clinical testing. Allele origin: germline.

Labcorp Genetics (formerly Invitae), Labcorp
Classification: Uncertain significance for Nephronophthisis. Last evaluated: 2022-05-08. Review status: criteria provided, single submitter. Criteria: Invitae Variant Classification Sherloc (09022015). Collection method: clinical testing. Allele origin: germline.
Comment: Algorithms developed to predict the effect of missense changes on protein structure and function (SIFT, PolyPhen-2, Align-GVGD) all suggest that this variant is likely to be tolerated. In summary, the available evidence is currently insufficient to determine the role of this variant in disease. Therefore, it has been classified as a Variant of Uncertain Significance. This variant has not been reported in the literature in individuals affected with NPHP3-related conditions. This variant is not present in population databases (gnomAD no frequency). This sequence change replaces glutamine, which is neutral and polar, with glutamic acid, which is acidic and polar, at codon 1150 of the NPHP3 protein (p.Gln1150Glu).